The following is an entry in ClinVar:

NM_001378328.1(CELSR1):c.5959T>C (p.Cys1987Arg)

Gene: CELSR1 (cadherin EGF LAG seven-pass G-type receptor 1; minus strand). Cytogenetic location: 22q13.31.
Variant type: single nucleotide variant.
Coding change: c.5959T>C on transcript NM_001378328.1 (MANE Select); coding-DNA position 5959, T replaced by C.
Protein change: p.Cys1987Arg; replaces cysteine 1987 with arginine.
Molecular consequence: missense variant.
Genome position (GRCh38, 1-based): chr22:46,394,147, A>G on the plus strand (T>C on the coding strand, the complement: CELSR1 is on the minus strand). VCF-style: chr22-46394147-A-G. GRCh37 (hg19) VCF-style: chr22-46790044-A-G.
Other names: c.5959T>C, p.Cys1987Arg (NM_014246.4); short protein forms C1987R.
Identifiers: ClinVar variation 3367903 (VCV003367903.1).

ClinVar aggregate classification (germline): Uncertain significance (1 of 4 stars; one submission).

Submission:

GeneDx
Classification: Uncertain significance. Last evaluated: 2024-01-11. Review status: criteria provided, single submitter. Criteria: GeneDx Variant Classification Process June 2021. Collection method: clinical testing. Allele origin: germline. Affected: yes.
Comment: Not observed at significant frequency in large population cohorts (gnomAD); In silico analysis supports that this missense variant has a deleterious effect on protein structure/function; Has not been previously published as pathogenic or benign to our knowledge